The following is an entry in ClinVar:

NM_004333.6(BRAF):c.41C>G (p.Pro14Arg)

Gene: BRAF (B-Raf proto-oncogene, serine/threonine kinase; minus strand). Cytogenetic location: 7q34.
Variant type: single nucleotide variant.
Coding change: c.41C>G on transcript NM_004333.6 (MANE Select); coding-DNA position 41, C replaced by G.
Protein change: p.Pro14Arg; replaces proline 14 with arginine.
Molecular consequence: missense variant.
Genome position (GRCh38, 1-based): chr7:140,924,663, G>C on the plus strand (C>G on the coding strand, the complement: BRAF is on the minus strand). VCF-style: chr7-140924663-G-C. GRCh37 (hg19) VCF-style: chr7-140624463-G-C.
Other names: p.P14R:CCG>CGG; c.41C>G, p.Pro14Arg (NM_001354609.2, NM_001374244.1, NM_001374258.1 and 7 more transcripts); short protein forms P14R.
Identifiers: ClinVar variation 40334 (VCV000040334.11), dbSNP rs397507455, ClinGen allele CA281924.

ClinVar aggregate classification (germline): Uncertain significance. Review status: criteria provided, multiple submitters, no conflicts (2 of 4 stars). 2 submissions from 2 submitters: Uncertain significance (2). Last evaluated 2023-12-06.

Conditions:
RASopathy. Also called: rasopathies; Noonan spectrum disorder. Identifiers: Orphanet 536391, MedGen C5555857, MONDO:0021060.

Allele frequency attached by ClinVar (database versions not stated): gnomAD 0.00001; TOPMed 0.00003.
gnomAD v4.1: 23 of 1,354,156 alleles (0.0017%); highest among the groups gnomAD compares: Non-Finnish European, 0.0023%; no homozygotes.

Submissions (2):

Labcorp Genetics (formerly Invitae), Labcorp
Classification: Uncertain significance for RASopathy. Last evaluated: 2023-12-06. Review status: criteria provided, single submitter. Criteria: Invitae Variant Classification Sherloc (09022015). Collection method: clinical testing. Allele origin: germline.
Comment: This sequence change replaces proline, which is neutral and non-polar, with arginine, which is basic and polar, at codon 14 of the BRAF protein (p.Pro14Arg). This variant is not present in population databases (gnomAD no frequency). This variant has not been reported in the literature in individuals affected with BRAF-related conditions. ClinVar contains an entry for this variant (Variation ID: 40334). Advanced modeling performed at Invitae incorporating data from internal and/or published experimental studies (Invitae) indicates that this missense variant is not expected to disrupt BRAF function with a negative predictive value of 95%. In summary, the available evidence is currently insufficient to determine the role of this variant in disease. Therefore, it has been classified as a Variant of Uncertain Significance.

GeneDx
Classification: Uncertain significance. Last evaluated: 2015-08-10. Review status: criteria provided, single submitter. Criteria: GeneDx Variant Classification (06012015). Collection method: clinical testing. Allele origin: germline. Affected: yes.
Comment: The P14R missense substitution has not been published as a mutation or as a benign polymorphism to our knowledge. The P14R amino acid substitution is considered to be non-conservative as a neutral, polar Proline is being replaced by a basic, polar Arginine. In addition, the NHLBI ESP Exome Variant Server reports P14R was not observed in approximately 2000 control samples from individuals of European and African American backgrounds, indicating it is unlikely to be a common benign variant. However, this position is not highly conserved in this or related genes and is extremely variable in other species. Therefore, the interpretation of the pathogenicity of P14R is dependent upon the phenotype of the parent who harbors the variant. The variant is found in NOONAN panel(s).